The following is an entry in ClinVar:

NM_006514.4(SCN10A):c.1435T>C (p.Ser479Pro)

Gene: SCN10A (sodium voltage-gated channel alpha subunit 10; minus strand). Cytogenetic location: 3p22.2.
Variant type: single nucleotide variant.
Coding change: c.1435T>C on transcript NM_006514.4 (MANE Select); coding-DNA position 1435, T replaced by C.
Protein change: p.Ser479Pro; replaces serine 479 with proline.
Molecular consequence: missense variant.
Genome position (GRCh38, 1-based): chr3:38,755,814, A>G on the plus strand (T>C on the coding strand, the complement: SCN10A is on the minus strand). VCF-style: chr3-38755814-A-G. GRCh37 (hg19) VCF-style: chr3-38797305-A-G.
Other names: p.Ser479Pro; c.1435T>C, p.Ser479Pro (NM_001293306.2, NM_001293307.2); c.1435T>C (NM_006514.2); short protein forms S479P.
Identifiers: ClinVar variation 1038183 (VCV001038183.33), dbSNP rs1245630548, ClinGen allele CA352168761.
Genomic context (GRCh38, chr3:38,755,814, plus strand): 5'-GGTAATCTTTAGAGCACAAACCTGAGCCTCTTACCATCCTGCGCTGGTTGTAAGGATCAG[A>G]GCGGGGTGATTTGTTGTCTTCTGTGGAGCCCTCTGACACTCTTGGCTTTATTCTATGCCT-3'
Protein context (NP_006505.4, residues 469-489): GSTEDNKSPR[Ser479Pro]DPYNQRRMSF

ClinVar aggregate classification (germline): Uncertain significance. Review status: criteria provided, multiple submitters, no conflicts (2 of 4 stars). 4 submissions from 4 submitters: Uncertain significance (4). Last evaluated 2025-04-24.

Conditions:
Cardiovascular phenotype. Identifiers: MedGen CN230736.
Brugada syndrome. Also called: Sudden unexpected nocturnal death syndrome; Sudden unexplained nocturnal death syndrome; Sudden Unexplained Death Syndrome; Sudden Unexplained Nocturnal Death Syndrome (SUNDS). Identifiers: Orphanet 130, MedGen C1142166, MONDO:0015263.

Allele frequency attached by ClinVar (database versions not stated): gnomAD exomes below 0.00001; gnomAD 0.00001; TOPMed 0.00001.
gnomAD v4.1: 9 of 1,613,786 alleles (0.00056%); highest among the groups gnomAD compares: African/African-American, 0.0013%; no homozygotes.

Submissions (4):

Ambry Genetics
Classification: Uncertain significance for Cardiovascular phenotype. Last evaluated: 2025-04-24. Review status: criteria provided, single submitter. Criteria: Ambry Variant Classification Scheme 2023. Collection method: clinical testing. Allele origin: germline.

Labcorp Genetics (formerly Invitae), Labcorp
Classification: Uncertain significance for Brugada syndrome. Last evaluated: 2025-03-05. Review status: criteria provided, single submitter. Criteria: Invitae Variant Classification Sherloc (09022015). Collection method: clinical testing. Allele origin: germline.
Comment: This sequence change replaces serine, which is neutral and polar, with proline, which is neutral and non-polar, at codon 479 of the SCN10A protein (p.Ser479Pro). This variant is present in population databases (no rsID available, gnomAD 0.01%). This variant has not been reported in the literature in individuals affected with SCN10A-related conditions. ClinVar contains an entry for this variant (Variation ID: 1038183). Invitae Evidence Modeling of protein sequence and biophysical properties (such as structural, functional, and spatial information, amino acid conservation, physicochemical variation, residue mobility, and thermodynamic stability) indicates that this missense variant is not expected to disrupt SCN10A protein function with a negative predictive value of 80%. In summary, the available evidence is currently insufficient to determine the role of this variant in disease. Therefore, it has been classified as a Variant of Uncertain Significance.

CeGaT Center for Human Genetics Tuebingen
Classification: Uncertain significance. Last evaluated: 2022-08-01. Review status: criteria provided, single submitter. Criteria: CeGaT Center For Human Genetics Tuebingen Variant Classification Criteria Version 2. Collection method: clinical testing. Allele origin: germline. Affected: yes. Observed: 1 variant allele.

Mayo Clinic Laboratories, Mayo Clinic
Classification: Uncertain significance. Last evaluated: 2021-04-14. Review status: criteria provided, single submitter. Criteria: ACMG Guidelines, 2015. Collection method: clinical testing. Allele origin: germline.